The following is an entry in ClinVar:

NM_173648.4(CCDC141):c.297T>G (p.Ser99Arg)

Gene: CCDC141 (coiled-coil domain containing 141; minus strand). Cytogenetic location: 2q31.2.
Variant type: single nucleotide variant.
Coding change: c.297T>G on transcript NM_173648.4 (MANE Select); coding-DNA position 297, T replaced by G.
Protein change: p.Ser99Arg; replaces serine 99 with arginine.
Molecular consequence: missense variant.
Genome position (GRCh38, 1-based): chr2:178,978,604, A>C on the plus strand (T>G on the coding strand, the complement: CCDC141 is on the minus strand). VCF-style: chr2-178978604-A-C. GRCh37 (hg19) VCF-style: chr2-179843331-A-C.
Other names: c.297T>G, p.Ser99Arg (NM_001316745.2); short protein forms S99R.
Identifiers: ClinVar variation 4713843 (VCV004713843.1).

ClinVar aggregate classification (germline): Uncertain significance (1 of 4 stars; one submission).

Submission:

Labcorp Genetics (formerly Invitae), Labcorp
Classification: Uncertain significance. Last evaluated: 2025-03-07. Review status: criteria provided, single submitter. Criteria: Invitae Variant Classification Sherloc (09022015). Collection method: clinical testing. Allele origin: germline.
Comment: This sequence change replaces serine, which is neutral and polar, with arginine, which is basic and polar, at codon 99 of the CCDC141 protein (p.Ser99Arg). This variant is not present in population databases (gnomAD no frequency). This variant has not been reported in the literature in individuals affected with CCDC141-related conditions. An algorithm developed to predict the effect of missense changes on protein structure and function outputs the following: PolyPhen-2: "Probably Damaging". The arginine amino acid residue is found in multiple mammalian species, which suggests that this missense change does not adversely affect protein function. In summary, the available evidence is currently insufficient to determine the role of this variant in disease. Therefore, it has been classified as a Variant of Uncertain Significance.